The following is an entry in ClinVar:

NM_022356.4(P3H1):c.1610T>C (p.Leu537Pro)

Gene: P3H1 (prolyl 3-hydroxylase 1; minus strand). Cytogenetic location: 1p34.2.
Variant type: single nucleotide variant.
Coding change: c.1610T>C on transcript NM_022356.4 (MANE Select); coding-DNA position 1610, T replaced by C.
Protein change: p.Leu537Pro; replaces leucine 537 with proline.
Molecular consequence: missense variant.
Genome position (GRCh38, 1-based): chr1:42,750,296, A>G on the plus strand (T>C on the coding strand, the complement: P3H1 is on the minus strand). VCF-style: chr1-42750296-A-G. GRCh37 (hg19) VCF-style: chr1-43215967-A-G.
Other names: c.1610T>C, p.Leu537Pro (NM_001146289.2, NM_001243246.2); short protein forms L537P.
Identifiers: ClinVar variation 1365030 (VCV001365030.8), dbSNP rs2124094046, ClinGen allele CA339954899.

ClinVar aggregate classification (germline): Uncertain significance (1 of 4 stars; one submission).

Conditions:
Osteogenesis imperfecta type 8 (OI8). Identifiers: MedGen C1970458, MONDO:0012581, OMIM 610915.

Submission:

Labcorp Genetics (formerly Invitae), Labcorp
Classification: Uncertain significance for Osteogenesis imperfecta type 8. Last evaluated: 2021-07-12. Review status: criteria provided, single submitter. Criteria: Invitae Variant Classification Sherloc (09022015). Collection method: clinical testing. Allele origin: germline.
Comment: This sequence change replaces leucine with proline at codon 537 of the P3H1 protein (p.Leu537Pro). The leucine residue is weakly conserved and there is a moderate physicochemical difference between leucine and proline. This variant is not present in population databases (ExAC no frequency). This variant has not been reported in the literature in individuals affected with P3H1-related conditions. Algorithms developed to predict the effect of missense changes on protein structure and function are either unavailable or do not agree on the potential impact of this missense change (SIFT: "Deleterious"; PolyPhen-2: "Possibly Damaging"; Align-GVGD: "Class C0"). In summary, the available evidence is currently insufficient to determine the role of this variant in disease. Therefore, it has been classified as a Variant of Uncertain Significance.